The following is an entry in ClinVar:

NM_006302.3(MOGS):c.863G>A (p.Arg288Gln)

Gene: MOGS (mannosyl-oligosaccharide glucosidase; minus strand). Cytogenetic location: 2p13.1.
Variant type: single nucleotide variant.
Coding change: c.863G>A on transcript NM_006302.3 (MANE Select); coding-DNA position 863, G replaced by A.
Protein change: p.Arg288Gln; replaces arginine 288 with glutamine.
Molecular consequence: missense variant.
Genome position (GRCh38, 1-based): chr2:74,462,926, C>T on the plus strand (G>A on the coding strand, the complement: MOGS is on the minus strand). VCF-style: chr2-74462926-C-T. GRCh37 (hg19) VCF-style: chr2-74690053-C-T.
Other names: c.545G>A, p.Arg182Gln (NM_001146158.2); short protein forms R288Q, R182Q.
Identifiers: ClinVar variation 943238 (VCV000943238.8), dbSNP rs374993988, ClinGen allele CA1724907.
Genomic context (GRCh38, chr2:74,462,926, plus strand): 5'-TCCTCCCACTTCAGGGATCCTGGCAAGCCGAGGTAGCGTTCAGGGGGGGCCCCTGGGGGC[C>T]GATGCTGAAACCAGCTATTTAGGCGACTCTTTACCATCTCTGTCAGCAGGGGCAGTCCTG-3'
Protein context (NP_006293.2, residues 278-298): KSRLNSWFQH[Arg288Gln]PPGAPPERYL

ClinVar aggregate classification (germline): Uncertain significance. Review status: criteria provided, multiple submitters, no conflicts (2 of 4 stars). 2 submissions from 2 submitters: Uncertain significance (2). Last evaluated 2023-04-13.

Conditions:
MOGS-congenital disorder of glycosylation. Also called: GLUCOSIDASE I DEFICIENCY; CDG IIb; MOGS-CDG; CDG 2B. Identifiers: Orphanet 79330, MedGen C1853736, MONDO:0011629, OMIM 606056.
Inborn genetic diseases. Identifiers: MedGen C0950123, MeSH D030342.

Allele frequency attached by ClinVar (database versions not stated): ExAC 0.00002; gnomAD exomes 0.00004 and 0.00007; gnomAD 0.00006 and 0.00007; ESP Exome Variant Server 0.00008; TOPMed 0.00008.
gnomAD v4.1: 129 of 1,614,014 alleles (0.008%); highest among the groups gnomAD compares: Middle Eastern, 0.016%; no homozygotes.

Submissions (2):

Ambry Genetics
Classification: Uncertain significance for Inborn genetic diseases. Last evaluated: 2023-04-13. Review status: criteria provided, single submitter. Criteria: Ambry Variant Classification Scheme 2023. Collection method: clinical testing. Allele origin: germline.

Labcorp Genetics (formerly Invitae), Labcorp
Classification: Uncertain significance for MOGS-congenital disorder of glycosylation. Last evaluated: 2021-08-27. Review status: criteria provided, single submitter. Criteria: Invitae Variant Classification Sherloc (09022015). Collection method: clinical testing. Allele origin: germline.
Comment: This sequence change replaces arginine with glutamine at codon 288 of the MOGS protein (p.Arg288Gln). The arginine residue is moderately conserved and there is a small physicochemical difference between arginine and glutamine. This variant is present in population databases (rs374993988, ExAC 0.01%). This variant has not been reported in the literature in individuals affected with MOGS-related conditions. Algorithms developed to predict the effect of missense changes on protein structure and function output the following: SIFT: "Tolerated"; PolyPhen-2: "Benign"; Align-GVGD: "Class C0". The glutamine amino acid residue is found in multiple mammalian species, which suggests that this missense change does not adversely affect protein function. In summary, the available evidence is currently insufficient to determine the role of this variant in disease. Therefore, it has been classified as a Variant of Uncertain Significance.